The following is an entry in ClinVar:

NM_015466.4(PTPN23):c.2416A>G (p.Arg806Gly)

Gene: PTPN23 (protein tyrosine phosphatase non-receptor type 23; plus strand). Cytogenetic location: 3p21.31.
Variant type: single nucleotide variant.
Coding change: c.2416A>G on transcript NM_015466.4 (MANE Select); coding-DNA position 2416, A replaced by G.
Protein change: p.Arg806Gly; replaces arginine 806 with glycine.
Molecular consequence: missense variant.
Genome position (GRCh38, 1-based): chr3:47,410,214, A>G. VCF-style: chr3-47410214-A-G. GRCh37 (hg19) VCF-style: chr3-47451704-A-G.
Other names: c.2038A>G, p.Arg680Gly (NM_001304482.2); short protein forms R680G, R806G.
Identifiers: ClinVar variation 1366010 (VCV001366010.6), dbSNP rs149495987, ClinGen allele CA2366032.

ClinVar aggregate classification (germline): Uncertain significance. Review status: criteria provided, multiple submitters, no conflicts (2 of 4 stars). 3 submissions from 3 submitters: Uncertain significance (3). Last evaluated 2024-10-30.

Conditions:
Inborn genetic diseases. Identifiers: MedGen C0950123, MeSH D030342.

Allele frequency attached by ClinVar (database versions not stated): ExAC 0.00004; gnomAD exomes 0.00004 and 0.00005; gnomAD 0.00006; TOPMed 0.00008; ESP Exome Variant Server 0.00015.
gnomAD v4.1: 69 of 1,610,620 alleles (0.0043%); highest among the groups gnomAD compares: Admixed American, 0.013%; no homozygotes.

Submissions (3):

Labcorp Genetics (formerly Invitae), Labcorp
Classification: Uncertain significance. Last evaluated: 2024-10-30. Review status: criteria provided, single submitter. Criteria: Invitae Variant Classification Sherloc (09022015). Collection method: clinical testing. Allele origin: germline.
Comment: This sequence change replaces arginine, which is basic and polar, with glycine, which is neutral and non-polar, at codon 806 of the PTPN23 protein (p.Arg806Gly). This variant is present in population databases (rs149495987, gnomAD 0.01%). This missense change has been observed in individual(s) with neurodevelopmental delay and structural brain abnormalities (internal data). ClinVar contains an entry for this variant (Variation ID: 1366010). Experimental studies and prediction algorithms are not available or were not evaluated, and the functional significance of this variant is currently unknown. In summary, the available evidence is currently insufficient to determine the role of this variant in disease. Therefore, it has been classified as a Variant of Uncertain Significance.

GeneDx
Classification: Uncertain significance. Last evaluated: 2022-01-03. Review status: criteria provided, single submitter. Criteria: GeneDx Variant Classification Process June 2021. Collection method: clinical testing. Allele origin: germline. Affected: yes.
Comment: In silico analysis supports that this missense variant does not alter protein structure/function; Has not been previously published as pathogenic or benign to our knowledge

Ambry Genetics
Classification: Uncertain significance for Inborn genetic diseases. Last evaluated: 2021-08-12. Review status: criteria provided, single submitter. Criteria: Ambry Variant Classification Scheme 2023. Collection method: clinical testing. Allele origin: germline.